The following is an entry in ClinVar:

ClinVar aggregate classification (germline): Uncertain significance (1 of 4 stars; one submission).

Submission:

GeneDx
Classification: Uncertain significance. Last evaluated: 2025-05-08. Review status: criteria provided, single submitter. Criteria: GeneDx Variant Classification Process June 2021. Collection method: clinical testing. Allele origin: germline. Affected: yes.
Comment: Not observed at significant frequency in large population cohorts (gnomAD); Canonical splice site variant with an unclear effect on protein function; Has not been previously published as pathogenic or benign to our knowledge

NM_006267.5(RANBP2):c.253-2A>G

Gene: RANBP2 (RAN binding protein 2; plus strand). Cytogenetic location: 2q13.
Variant type: single nucleotide variant.
Coding change: c.253-2A>G on transcript NM_006267.5 (MANE Select); the canonical splice acceptor site of the intron before coding-DNA position 253, A replaced by G.
Molecular consequence: splice acceptor variant.
Genome position (GRCh38, 1-based): chr2:108,731,320, A>G. VCF-style: chr2-108731320-A-G. GRCh37 (hg19) VCF-style: chr2-109347776-A-G.
Other names: c.253-2A>G (NM_001415871.1, NM_001415873.1); c.250-2A>G (NM_001415872.1).
Identifiers: ClinVar variation 4527705 (VCV004527705.1).